The following is an entry in ClinVar:

ClinVar aggregate classification (germline): Uncertain significance (1 of 4 stars; one submission).

Conditions:
Leber congenital amaurosis 8 (LCA8). Identifiers: Orphanet 65, MedGen C3151202, MONDO:0013453, OMIM 613835.
Retinitis pigmentosa 12 (RP12). Also called: RP WITH OR WITHOUT PPRPE; RP WITH OR WITHOUT PRESERVED PARAARTERIOLE RETINAL PIGMENT EPITHELIUM; RETINITIS PIGMENTOSA WITH OR WITHOUT PARAARTERIOLAR PRESERVATION OF RETINAL PIGMENT EPITHELIUM. Identifiers: Orphanet 791, MedGen C1838647, MONDO:0010818, OMIM 600105.

gnomAD v4.1: 1 of 1,614,224 alleles (0.000062%); highest among the groups gnomAD compares: African/African-American, 0.0013%; no homozygotes.

Submission:

Labcorp Genetics (formerly Invitae), Labcorp
Classification: Uncertain significance for Leber congenital amaurosis 8; Retinitis pigmentosa 12. Last evaluated: 2025-02-06. Review status: criteria provided, single submitter. Criteria: Invitae Variant Classification Sherloc (09022015). Collection method: clinical testing. Allele origin: germline.
Comment: This sequence change replaces serine, which is neutral and polar, with alanine, which is neutral and non-polar, at codon 487 of the CRB1 protein (p.Ser487Ala). This variant is not present in population databases (gnomAD no frequency). This variant has not been reported in the literature in individuals affected with CRB1-related conditions. Invitae Evidence Modeling of protein sequence and biophysical properties (such as structural, functional, and spatial information, amino acid conservation, physicochemical variation, residue mobility, and thermodynamic stability) has been performed for this missense variant. However, the output from this modeling did not meet the statistical confidence thresholds required to predict the impact of this variant on CRB1 protein function. In summary, the available evidence is currently insufficient to determine the role of this variant in disease. Therefore, it has been classified as a Variant of Uncertain Significance.

NM_201253.3(CRB1):c.1459T>G (p.Ser487Ala)

Gene: CRB1 (crumbs cell polarity complex component 1; plus strand). Cytogenetic location: 1q31.3.
Variant type: single nucleotide variant.
Coding change: c.1459T>G on transcript NM_201253.3 (MANE Select); coding-DNA position 1459, T replaced by G.
Protein change: p.Ser487Ala; replaces serine 487 with alanine.
Molecular consequence: missense variant. On other transcripts: non-coding transcript variant (2).
Genome position (GRCh38, 1-based): chr1:197,421,287, T>G. VCF-style: chr1-197421287-T-G. GRCh37 (hg19) VCF-style: chr1-197390417-T-G.
Other names: c.1123T>G, p.Ser375Ala (NM_001193640.2); c.1252T>G, p.Ser418Ala (NM_001257965.2); c.1459T>G, p.Ser487Ala (NM_001257966.2); short protein forms S375A, S487A, S418A.
Identifiers: ClinVar variation 4788893 (VCV004788893.1).